The following is an entry in ClinVar:

NM_000089.4(COL1A2):c.2746G>A (p.Gly916Arg)

Gene: COL1A2 (collagen type I alpha 2 chain; plus strand). Cytogenetic location: 7q21.3.
Variant type: single nucleotide variant.
Coding change: c.2746G>A on transcript NM_000089.4 (MANE Select); coding-DNA position 2746, G replaced by A.
Protein change: p.Gly916Arg; replaces glycine 916 with arginine.
Molecular consequence: missense variant.
Genome position (GRCh38, 1-based): chr7:94,425,189, G>A. VCF-style: chr7-94425189-G-A. GRCh37 (hg19) VCF-style: chr7-94054501-G-A.
Other names: short protein forms G916R.
Identifiers: ClinVar variation 940648 (VCV000940648.12), dbSNP rs72659308, ClinGen allele CA368224527.
Genomic context (GRCh38, chr7:94,425,189, plus strand): 5'-CCTCTTGGCATTGCCGGCCCTCCTGGGGCCCGTGGTCCTCCTGGTGCTGTGGGTAGTCCT[G>A]GAGTCAACGGTGCTCCTGGTGAAGCTGGTCGTGATGTGAGTCCAACACTTGGTTTGTAAA-3'
Protein context (NP_000080.2, residues 906-926): RGPPGAVGSP[Gly916Arg]VNGAPGEAGR

ClinVar aggregate classification (germline): Pathogenic. Review status: criteria provided, multiple submitters, no conflicts (2 of 4 stars). 2 submissions from 2 submitters: Pathogenic (2). Last evaluated 2025-08-29.

Conditions:
COL1A2-related disorder. Also called: COL1A2-related condition; COL1A2-Related Disorders.
Osteogenesis imperfecta type I (OI1). Also called: Osteogenesis imperfecta type 1; OI, TYPE I; OSTEOGENESIS IMPERFECTA TARDA; OSTEOGENESIS IMPERFECTA WITH BLUE SCLERAE; Lobstein disease; Lobstein's Disease. Identifiers: Orphanet 216796, Orphanet 666, MedGen C0023931, MONDO:0008146, OMIM 166200. Disease mechanism: loss of function.
Ehlers-Danlos syndrome, classic type, 1 (EDSCL1). Also called: Ehlers-Danlos Syndrome, Classic Type, COL5A1-Related; EHLERS-DANLOS SYNDROME, GRAVIS TYPE; EHLERS-DANLOS SYNDROME, SEVERE CLASSIC TYPE; EDS I; Ehlers-Danlos syndrome, type 1. Identifiers: MedGen C0268335, MONDO:0019567, OMIM 130000.

Submissions (2):

Labcorp Genetics (formerly Invitae), Labcorp
Classification: Pathogenic for Osteogenesis imperfecta type I; Ehlers-Danlos syndrome, classic type, 1. Last evaluated: 2025-08-29. Review status: criteria provided, single submitter. Criteria: Invitae Variant Classification Sherloc (09022015). Collection method: clinical testing. Allele origin: germline.
Comment: This sequence change replaces glycine, which is neutral and non-polar, with arginine, which is basic and polar, at codon 916 of the COL1A2 protein (p.Gly916Arg). This variant is not present in population databases (gnomAD no frequency). This missense change has been observed in individual(s) with clinical features of osteogenesis imperfecta (PMID: 22206639, 25835785). It has also been observed to segregate with disease in related individuals. ClinVar contains an entry for this variant (Variation ID: 940648). Invitae Evidence Modeling of protein sequence and biophysical properties (such as structural, functional, and spatial information, amino acid conservation, physicochemical variation, residue mobility, and thermodynamic stability) indicates that this missense variant is expected to disrupt COL1A2 protein function with a positive predictive value of 95%. This variant disrupts the triple helix domain of COL1A2. Glycine residues within the Gly-Xaa-Yaa repeats of the triple helix domain are required for the structure and stability of fibrillar collagens (PMID: 7695699, 8218237, 19344236). In COL1A2, variants affecting these glycine residues are significantly enriched in individuals with disease (PMID: 9016532, 17078022) compared to the general population (ExAC). For these reasons, this variant has been classified as Pathogenic.

Blueprint Genetics
Classification: Pathogenic for COL1A2-related disorders. Last evaluated: 2021-07-01. Review status: criteria provided, single submitter. Criteria: ACMG Guidelines, 2015. Collection method: clinical testing. Allele origin: germline. Affected: yes. Observed: 2 variant alleles.

Literature cited by the submitters: PubMed 22206639 (cited by Labcorp Genetics (formerly Invitae), Labcorp); PubMed 25835785 (cited by Labcorp Genetics (formerly Invitae), Labcorp); PubMed 7695699 (cited by Labcorp Genetics (formerly Invitae), Labcorp); PubMed 8218237 (cited by Labcorp Genetics (formerly Invitae), Labcorp); PubMed 19344236 (cited by Labcorp Genetics (formerly Invitae), Labcorp); PubMed 9016532 (cited by Labcorp Genetics (formerly Invitae), Labcorp); PubMed 17078022 (cited by Labcorp Genetics (formerly Invitae), Labcorp).